The following is an entry in ClinVar:

NM_004994.3(MMP9):c.1148A>G (p.Lys383Arg)

Gene: MMP9 (matrix metallopeptidase 9; plus strand). Cytogenetic location: 20q13.12.
Variant type: single nucleotide variant.
Coding change: c.1148A>G on transcript NM_004994.3 (MANE Select); coding-DNA position 1148, A replaced by G.
Protein change: p.Lys383Arg; replaces lysine 383 with arginine.
Molecular consequence: missense variant.
Genome position (GRCh38, 1-based): chr20:46,012,287, A>G. VCF-style: chr20-46012287-A-G. GRCh37 (hg19) VCF-style: chr20-44640926-A-G.
Other names: short protein forms K383R.
Identifiers: ClinVar variation 1971486 (VCV001971486.5), dbSNP rs775650676, ClinGen allele CA9886631.
Genomic context (GRCh38, chr20:46,012,287, plus strand): 5'-GCGAGGGCCGCGGAGATGGGCGCCTCTGGTGCGCTACCACCTCGAACTTTGACAGCGACA[A>G]GAAGTGGGGCTTCTGCCCGGACCAAGGTAGGCGTGGTCCCGCGGCTCCGGGGCTGGGGTT-3'
Protein context (NP_004985.2, residues 373-393): CATTSNFDSD[Lys383Arg]KWGFCPDQGY

ClinVar aggregate classification (germline): Uncertain significance (1 of 4 stars; one submission).

Allele frequency attached by ClinVar (database versions not stated): TOPMed below 0.00001; ExAC 0.00001; gnomAD 0.00001; gnomAD exomes 0.00001.

Submission:

Labcorp Genetics (formerly Invitae), Labcorp
Classification: Uncertain significance. Last evaluated: 2024-02-24. Review status: criteria provided, single submitter. Criteria: Invitae Variant Classification Sherloc (09022015). Collection method: clinical testing. Allele origin: germline.
Comment: This sequence change replaces lysine, which is basic and polar, with arginine, which is basic and polar, at codon 383 of the MMP9 protein (p.Lys383Arg). This variant is present in population databases (rs775650676, gnomAD 0.0009%). This variant has not been reported in the literature in individuals affected with MMP9-related conditions. ClinVar contains an entry for this variant (Variation ID: 1971486). Advanced modeling of protein sequence and biophysical properties (such as structural, functional, and spatial information, amino acid conservation, physicochemical variation, residue mobility, and thermodynamic stability) performed at Invitae indicates that this missense variant is not expected to disrupt MMP9 protein function with a negative predictive value of 80%. In summary, the available evidence is currently insufficient to determine the role of this variant in disease. Therefore, it has been classified as a Variant of Uncertain Significance.